The following is an entry in ClinVar:

NM_000383.4(AIRE):c.121G>A (p.Asp41Asn)

Gene: AIRE (autoimmune regulator; plus strand). Cytogenetic location: 21q22.3.
Variant type: single nucleotide variant.
Coding change: c.121G>A on transcript NM_000383.4 (MANE Select); coding-DNA position 121, G replaced by A.
Protein change: p.Asp41Asn; replaces aspartic acid 41 with asparagine.
Molecular consequence: missense variant.
Genome position (GRCh38, 1-based): chr21:44,286,127, G>A. VCF-style: chr21-44286127-G-A. GRCh37 (hg19) VCF-style: chr21-45706010-G-A.
Other names: short protein forms D41N.
Identifiers: ClinVar variation 2954781 (VCV002954781.1), dbSNP rs1393785190, ClinGen allele CA410423152.

ClinVar aggregate classification (germline): Uncertain significance (1 of 4 stars; one submission).

Conditions:
Polyglandular autoimmune syndrome, type 1 (APS1). Also called: Autoimmune polyendocrinopathy syndrome, type I; HYPOADRENOCORTICISM WITH HYPOPARATHYROIDISM AND SUPERFICIAL MONILIASIS; PGA I; Autoimmune polyendocrine syndrome type 1; Autoimmune polyendocrinopathy syndrome , type I, with or without reversible metaphyseal dysplasia; Whitaker syndrome. Identifiers: Orphanet 3453, MedGen C0085859, MONDO:0009411, OMIM 240300.

Allele frequency attached by ClinVar (database versions not stated): TOPMed below 0.00001; gnomAD 0.00001; gnomAD exomes 0.00001.

Submission:

Labcorp Genetics (formerly Invitae), Labcorp
Classification: Uncertain significance for Polyglandular autoimmune syndrome, type 1. Last evaluated: 2023-06-06. Review status: criteria provided, single submitter. Criteria: Invitae Variant Classification Sherloc (09022015). Collection method: clinical testing. Allele origin: germline.
Comment: In summary, the available evidence is currently insufficient to determine the role of this variant in disease. Therefore, it has been classified as a Variant of Uncertain Significance. Advanced modeling of protein sequence and biophysical properties (such as structural, functional, and spatial information, amino acid conservation, physicochemical variation, residue mobility, and thermodynamic stability) has been performed at Invitae for this missense variant, however the output from this modeling did not meet the statistical confidence thresholds required to predict the impact of this variant on AIRE protein function. This variant has not been reported in the literature in individuals affected with AIRE-related conditions. This variant is present in population databases (no rsID available, gnomAD 0.002%). This sequence change replaces aspartic acid, which is acidic and polar, with asparagine, which is neutral and polar, at codon 41 of the AIRE protein (p.Asp41Asn).